The following is an entry in ClinVar:

NM_012469.4(PRPF6):c.1695C>T (p.Tyr565=)

Gene: PRPF6 (pre-mRNA processing factor 6; plus strand). Cytogenetic location: 20q13.33.
Variant type: single nucleotide variant.
Coding change: c.1695C>T on transcript NM_012469.4 (MANE Select); coding-DNA position 1695, C replaced by T.
Protein change: p.Tyr565=; no amino-acid change (tyrosine 565 retained).
Molecular consequence: synonymous variant.
Genome position (GRCh38, 1-based): chr20:64,022,804, C>T. VCF-style: chr20-64022804-C-T. GRCh37 (hg19) VCF-style: chr20-62654157-C-T.
Other names: c.1695C>T (NM_012469.3).
Identifiers: ClinVar variation 1169462 (VCV001169462.14), dbSNP rs181407049, ClinGen allele CA9972264.
Genomic context (GRCh38, chr20:64,022,804, plus strand): 5'-CTCTCTGCTCTAGTGTGTAGCCCACAATGCCCTGGAGTGTGCACGAGCCATCTACGCCTA[C>T]GCCCTGCAGGTGTTCCCCAGCAAGAAGAGTGTGTGGCTGCGCGCCGCGTACTTCGAGAAG-3'
Protein context (NP_036601.2, residues 555-575): ALECARAIYA[Tyr565=]ALQVFPSKKS

ClinVar aggregate classification (germline): Benign/Likely benign. Review status: criteria provided, multiple submitters, no conflicts (2 of 4 stars). 5 submissions from 5 submitters: Benign (3); Likely benign (1). 1 of the submissions does not count toward it. Last evaluated 2025-11-17.

Conditions:
Retinal dystrophy. Also called: Inherited retinal dystrophy. Identifiers: Orphanet 71862, MedGen C0854723, MeSH D058499, MONDO:0019118, HP:0000556.
PRPF6-related disorder. Also called: PRPF6-related condition.

Allele frequency attached by ClinVar (database versions not stated): gnomAD 0.00006 and 0.00011; gnomAD exomes 0.00014 and 0.00020; TOPMed 0.00014; 1000 Genomes Project 30x 0.00016; 1000 Genomes Project 0.00020; ExAC 0.00027.
gnomAD v4.1: 214 of 1,614,132 alleles (0.013%); highest among the groups gnomAD compares: East Asian, 0.39%; no homozygotes.

Submissions (5):

Labcorp Genetics (formerly Invitae), Labcorp
Classification: Benign. Last evaluated: 2025-11-17. Review status: criteria provided, single submitter. Criteria: Invitae Variant Classification Sherloc (09022015). Collection method: clinical testing. Allele origin: germline.

Blueprint Genetics
Classification: Likely benign. Last evaluated: 2023-11-29. Review status: criteria provided, single submitter. Criteria: ACMG Guidelines, 2015. Collection method: clinical testing. Allele origin: germline.

Dept Of Ophthalmology, Nagoya University
Classification: Benign for Retinal dystrophy. Last evaluated: 2023-10-01. Review status: criteria provided, single submitter. Criteria: Submitter's publication. Collection method: research. Allele origin: germline. Affected: yes.

Breakthrough Genomics
Classification: Benign. Review status: criteria provided, single submitter. Criteria: ACMG Guidelines, 2015. Collection method: not provided. Allele origin: germline. Inheritance: Autosomal dominant inheritance. Affected: yes.

PreventionGenetics, part of Exact Sciences
Classification: Likely benign for PRPF6-related condition. Last evaluated: 2019-10-28. Review status: no assertion criteria provided. Collection method: clinical testing. Allele origin: germline. Not counted in ClinVar's aggregate classification.
Comment: This variant is classified as likely benign based on ACMG/AMP sequence variant interpretation guidelines (Richards et al. 2015 PMID: 25741868, with internal and published modifications).